The following is an entry in ClinVar:

ClinVar aggregate classification (germline): Uncertain significance (1 of 4 stars; one submission).

Conditions:
Nizon-Isidor syndrome. Identifiers: MedGen C5394350, MONDO:0030030, OMIM 618872.

Submission:

Juno Genomics, Hangzhou Juno Genomics, Inc
Classification: Uncertain significance for Nizon-Isidor syndrome. Review status: criteria provided, single submitter. Criteria: ACMG Guidelines, 2015. Collection method: clinical testing. Allele origin: germline.
Comment: Absent from controls (or at extremely low frequency if recessive) in Genome Aggregation Database.;Missense variant in a gene that has a low rate of benign missense variation.

NM_001393769.1(MED12L):c.3094G>A (p.Gly1032Ser)

Genes: MED12L (mediator complex subunit 12L; plus strand), P2RY12 (purinergic receptor P2Y12; minus strand). Cytogenetic location: 3q25.1.
Variant type: single nucleotide variant.
Coding change: c.3094G>A on transcript NM_001393769.1 (MANE Select); coding-DNA position 3094, G replaced by A.
Protein change: p.Gly1032Ser; replaces glycine 1032 with serine.
Molecular consequence: missense variant. On other transcripts: intron variant (1).
Genome position (GRCh38, 1-based): chr3:151,365,115, G>A. VCF-style: chr3-151365115-G-A. GRCh37 (hg19) VCF-style: chr3-151082903-G-A.
Other names: c.2989G>A, p.Gly997Ser (NM_053002.6); c.-180+19577C>T (NM_022788.5); short protein forms G1032S, G997S.
Identifiers: ClinVar variation 5019786 (VCV005019786.2).